The following is an entry in ClinVar:

ClinVar aggregate classification (germline): Conflicting classifications of pathogenicity. Review status: criteria provided, conflicting classifications (1 of 4 stars). 2 submissions from 2 submitters: Uncertain significance (1); Likely benign (1). Last evaluated 2025-12-31.

Allele frequency attached by ClinVar (database versions not stated): ExAC 0.00001.
gnomAD v4.1: 7 of 1,614,068 alleles (0.00043%); highest among the groups gnomAD compares: Non-Finnish European, 0.00059%; no homozygotes.

Submissions (2):

Labcorp Genetics (formerly Invitae), Labcorp
Classification: Likely benign. Last evaluated: 2025-12-31. Review status: criteria provided, single submitter. Criteria: Invitae Variant Classification Sherloc (09022015). Collection method: clinical testing. Allele origin: germline.

GeneDx
Classification: Uncertain significance. Last evaluated: 2019-04-25. Review status: criteria provided, single submitter. Criteria: GeneDx Variant Classification Process June 2021. Collection method: clinical testing. Allele origin: germline. Affected: yes.
Comment: Not observed at a significant frequency in large population cohorts (Lek et al., 2016); In-silico analysis, which includes splice predictors and evolutionary conservation, is inconclusive as to whether the variant alters gene splicing. In the absence of RNA/functional studies, the actual effect of this sequence change is unknown.; Has not been previously published as pathogenic or benign to our knowledge

NM_194248.3(OTOF):c.5475C>A (p.Pro1825=)

Gene: OTOF (otoferlin; minus strand). Cytogenetic location: 2p23.3.
Variant type: single nucleotide variant.
Coding change: c.5475C>A on transcript NM_194248.3 (MANE Select); coding-DNA position 5475, C replaced by A.
Protein change: p.Pro1825=; no amino-acid change (proline 1825 retained).
Molecular consequence: synonymous variant.
Genome position (GRCh38, 1-based): chr2:26,461,754, G>T on the plus strand (C>A on the coding strand, the complement: OTOF is on the minus strand). VCF-style: chr2-26461754-G-T. GRCh37 (hg19) VCF-style: chr2-26684622-G-T.
Other names: c.5475C>A, p.Pro1825= (NM_001287489.2); c.3174C>A, p.Pro1058= (NM_004802.4, NM_194323.3); c.3405C>A, p.Pro1135= (NM_194322.3).
Identifiers: ClinVar variation 1305378 (VCV001305378.5), dbSNP rs760178516, ClinGen allele CA1562814.